The following is an entry in ClinVar:

NM_013280.5(FLRT1):c.471C>A (p.His157Gln)

Genes: MACROD1 (mono-ADP ribosylhydrolase 1; minus strand), FLRT1 (fibronectin leucine rich transmembrane protein 1; plus strand). Cytogenetic location: 11q13.1.
Variant type: single nucleotide variant.
Coding change: c.471C>A on transcript NM_013280.5 (MANE Select); coding-DNA position 471, C replaced by A.
Protein change: p.His157Gln; replaces histidine 157 with glutamine.
Molecular consequence: missense variant. On other transcripts: intron variant (2).
Genome position (GRCh38, 1-based): chr11:64,116,738, C>A. VCF-style: chr11-64116738-C-A. GRCh37 (hg19) VCF-style: chr11-63884210-C-A.
Other names: c.471C>A, p.His157Gln (NM_001384466.1); c.387C>A, p.His129Gln (NM_001423967.1); c.517+34501G>T (NM_001411019.1, NM_014067.4); short protein forms H157Q, H129Q.
Identifiers: ClinVar variation 842634 (VCV000842634.9), dbSNP rs1348763003, ClinGen allele CA381057684.

ClinVar aggregate classification (germline): Uncertain significance (1 of 4 stars; one submission).

Conditions:
Peripheral neuropathy. Also called: Neuropathy. Identifiers: MedGen C0031117, MONDO:0005244, HP:0009830.

Allele frequency attached by ClinVar (database versions not stated): TOPMed below 0.00001; gnomAD 0.00001.
gnomAD v4.1: 3 of 1,613,632 alleles (0.00019%); highest among the groups gnomAD compares: Non-Finnish European, 0.00025%; no homozygotes.

Submission:

Labcorp Genetics (formerly Invitae), Labcorp
Classification: Uncertain significance for Peripheral neuropathy. Last evaluated: 2022-09-08. Review status: criteria provided, single submitter. Criteria: Invitae Variant Classification Sherloc (09022015). Collection method: clinical testing. Allele origin: germline.
Comment: This sequence change replaces histidine, which is basic and polar, with glutamine, which is neutral and polar, at codon 157 of the FLRT1 protein (p.His157Gln). This variant is present in population databases (no rsID available, gnomAD 0.0009%). This variant has not been reported in the literature in individuals affected with FLRT1-related conditions. ClinVar contains an entry for this variant (Variation ID: 842634). Algorithms developed to predict the effect of missense changes on protein structure and function are either unavailable or do not agree on the potential impact of this missense change (SIFT: "Deleterious"; PolyPhen-2: "Probably Damaging"; Align-GVGD: "Class C15"). In summary, the available evidence is currently insufficient to determine the role of this variant in disease. Therefore, it has been classified as a Variant of Uncertain Significance.